The following is an entry in ClinVar:

ClinVar aggregate classification (germline): Pathogenic. Review status: reviewed by expert panel (3 of 4 stars). 10 submissions from 10 submitters: Pathogenic (1). 9 of the submissions do not count toward it. Last evaluated 2016-10-18.

Conditions:
Hereditary breast ovarian cancer syndrome. Also called: BRCA1- and BRCA2-Associated Hereditary Breast and Ovarian Cancer; Hereditary breast and ovarian cancer syndrome; Hereditary breast and ovarian cancer syndrome (HBOC); Hereditary breast and ovarian cancer; Breast and ovarian cancer; Hereditary breast and/or ovarian cancer syndrome. Identifiers: Orphanet 145, MedGen C0677776, MeSH D061325, MONDO:0003582. Disease mechanism: loss of function.
Hereditary cancer-predisposing syndrome. Also called: Tumor predisposition; Neoplastic Syndromes, Hereditary; Hereditary Cancer Syndrome; Hereditary neoplastic syndrome. Identifiers: Orphanet 140162, MedGen C0027672, MeSH D009386, MONDO:0015356.
Breast-ovarian cancer, familial, susceptibility to, 2 (BROVCA2). Also called: BRCA2 Hereditary Breast and Ovarian Cancer. Identifiers: Orphanet 145, MedGen C2675520, MONDO:0012933, OMIM 612555. Disease mechanism: loss of function.
Familial cancer of breast. Also called: hereditary breast carcinoma; BREAST CANCER, FAMILIAL; Hereditary breast cancer. Identifiers: Orphanet 227535, MedGen C0346153, MONDO:0016419, OMIM 114480. Disease mechanism: loss of function.

Submissions (10):

Evidence-based Network for the Interpretation of Germline Mutant Alleles (ENIGMA)
Classification: Pathogenic for Breast-ovarian cancer, familial, susceptibility to, 2. Last evaluated: 2016-10-18. Review status: reviewed by expert panel. Criteria: ENIGMA BRCA1/2 Classification Criteria (2015). Collection method: curation. Allele origin: germline.
Comment: Variant allele predicted to encode a truncated non-functional protein.

Dasa
Classification: Pathogenic for Breast-ovarian cancer, familial, susceptibility to, 2. Last evaluated: 2025-03-25. Review status: criteria provided, single submitter. Criteria: DASA Assertion Criteria. Collection method: clinical testing. Allele origin: germline. Observed: 1 variant allele. Not counted in ClinVar's aggregate classification.
Comment: NM_000059.4(BRCA2):c.5216dup (p.Tyr1739*) introduces a frameshift resulting in a premature termination codon. Loss-of-function is an established mechanism of disease for this gene. This variant has been recurrently observed in individuals with hereditary breast and ovarian cancer (PMID: 27741520, 36329109, 35264596) and is present at low frequency in population datasets. Based on the available data, this variant is classified as Pathogenic.

Labcorp Genetics (formerly Invitae), Labcorp
Classification: Pathogenic for Hereditary breast ovarian cancer syndrome. Last evaluated: 2023-11-24. Review status: criteria provided, single submitter. Criteria: Invitae Variant Classification Sherloc (09022015). Collection method: clinical testing. Allele origin: germline. Not counted in ClinVar's aggregate classification.
Comment: This sequence change creates a premature translational stop signal (p.Tyr1739*) in the BRCA2 gene. It is expected to result in an absent or disrupted protein product. Loss-of-function variants in BRCA2 are known to be pathogenic (PMID: 20104584). This variant is not present in population databases (gnomAD no frequency). This premature translational stop signal has been observed in individual(s) with breast cancer (PMID: 35264596). ClinVar contains an entry for this variant (Variation ID: 266861). For these reasons, this variant has been classified as Pathogenic.

Baylor Genetics
Classification: Pathogenic for Familial cancer of breast. Last evaluated: 2022-10-10. Review status: criteria provided, single submitter. Criteria: ACMG Guidelines, 2015. Collection method: clinical testing. Allele origin: unknown. Not counted in ClinVar's aggregate classification.

Ambry Genetics
Classification: Pathogenic for Hereditary cancer-predisposing syndrome. Last evaluated: 2022-01-07. Review status: criteria provided, single submitter. Criteria: Ambry Variant Classification Scheme 2023. Collection method: clinical testing. Allele origin: germline. Not counted in ClinVar's aggregate classification.
Comment: The c.5216dupA pathogenic mutation, located in coding exon 10 of the BRCA2 gene, results from a duplication of A at nucleotide position 5216, causing a translational frameshift with a predicted alternate stop codon (p.Y1739*). This variant is considered to be rare based on population cohorts in the Genome Aggregation Database (gnomAD). In addition to the clinical data presented in the literature, this alteration is expected to result in loss of function by premature protein truncation or nonsense-mediated mRNA decay. As such, this alteration is interpreted as a disease-causing mutation.

Genetics Program, Instituto Nacional de Cancer
Classification: Pathogenic for Hereditary breast ovarian cancer syndrome. Last evaluated: 2021-11-01. Review status: criteria provided, single submitter. Criteria: ACMG Guidelines, 2015. Collection method: research. Allele origin: germline. Affected: yes. Not counted in ClinVar's aggregate classification.

Color Diagnostics, LLC DBA Color Health
Classification: Pathogenic for Hereditary cancer-predisposing syndrome. Last evaluated: 2020-05-15. Review status: criteria provided, single submitter. Criteria: ACMG Guidelines, 2015. Collection method: clinical testing. Allele origin: germline. Not counted in ClinVar's aggregate classification.
Comment: This variant inserts 1 nucleotide in exon 11 of the BRCA2 gene, creating a premature translation stop signal. This variant is expected to result in an absent or non-functional protein product. To our knowledge, this variant has not been reported in individuals affected with hereditary cancer in the literature. This variant has not been identified in the general population by the Genome Aggregation Database (gnomAD). Loss of BRCA2 function is a known mechanism of disease. Based on the available evidence, this variant is classified as Pathogenic.

Mendelics
Classification: Pathogenic for Breast-ovarian cancer, familial, susceptibility to, 2. Last evaluated: 2019-05-28. Review status: criteria provided, single submitter. Criteria: Mendelics Assertion Criteria 2017. Collection method: clinical testing. Allele origin: unknown. Not counted in ClinVar's aggregate classification.

Consortium of Investigators of Modifiers of BRCA1/2 (CIMBA), c/o University of Cambridge
Classification: Pathogenic for Breast-ovarian cancer, familial, susceptibility to, 2. Last evaluated: 2015-10-02. Review status: criteria provided, single submitter. Criteria: CIMBA Mutation Classification guidelines May 2016. Collection method: clinical testing. Allele origin: germline. Not counted in ClinVar's aggregate classification.

Genesis Genomics
Classification: Pathogenic for Breast-ovarian cancer, familial, susceptibility to, 2. Review status: criteria provided, single submitter. Criteria: ACMG Guidelines, 2015. Collection method: clinical testing. Allele origin: germline. Affected: yes. Observed: 1 variant allele. Not counted in ClinVar's aggregate classification.

Literature cited by the submitters: PubMed 27741520 (cited by Dasa and Ambry Genetics); PubMed 36329109 (cited by Dasa and Genetics Program, Instituto Nacional de Cancer); PubMed 35264596 (cited by Dasa and Labcorp Genetics (formerly Invitae), Labcorp); PubMed 20104584 (cited by Labcorp Genetics (formerly Invitae), Labcorp).

NM_000059.4(BRCA2):c.5216dup (p.Tyr1739Ter)

Gene: BRCA2 (BRCA2 DNA repair associated; plus strand). Cytogenetic location: 13q13.1.
Variant type: Duplication.
Coding change: c.5216dup on transcript NM_000059.4 (MANE Select); coding-DNA position 5216, one base duplicated (A; older notation c.5216dupA).
Protein change: p.Tyr1739Ter; replaces tyrosine 1739 with a stop codon.
Genome position (GRCh38, 1-based): chr13:32,339,571, A duplicated. VCF-style (leftmost placement, unchanged base first): chr13-32339570-T-TA. GRCh37 (hg19) VCF-style: chr13-32913707-T-TA.
Other names: 5444dupA; c.5216dupA (NM_000059.3); short protein forms Y1739*.
Identifiers: ClinVar variation 266861 (VCV000266861.46), dbSNP rs886040578, ClinGen allele CA10589298.